The following is an entry in ClinVar:

ClinVar aggregate classification (germline): Uncertain significance (1 of 4 stars; one submission).

Conditions:
Alpha thalassemia-X-linked intellectual disability syndrome (ATRX). Also called: ALPHA-THALASSEMIA/MENTAL RETARDATION SYNDROME, X-LINKED; ATR, NONDELETION TYPE; ATR-X syndrome; Alpha thalassemia mental retardation syndrome, nondeletion type, X-linked; XLMR hypotonic face syndrome; X-linked alpha-thalassemia-mental retardation syndrome. Identifiers: Orphanet 847, MedGen C1845055, MONDO:0010519, OMIM 301040.

Submission:

Labcorp Genetics (formerly Invitae), Labcorp
Classification: Uncertain significance for Alpha thalassemia-X-linked intellectual disability syndrome. Last evaluated: 2025-05-12. Review status: criteria provided, single submitter. Criteria: Invitae Variant Classification Sherloc (09022015). Collection method: clinical testing. Allele origin: germline.
Comment: This sequence change replaces aspartic acid, which is acidic and polar, with glycine, which is neutral and non-polar, at codon 1287 of the ATRX protein (p.Asp1287Gly). This variant is not present in population databases (gnomAD no frequency). This variant has not been reported in the literature in individuals affected with ATRX-related conditions. Invitae Evidence Modeling of protein sequence and biophysical properties (such as structural, functional, and spatial information, amino acid conservation, physicochemical variation, residue mobility, and thermodynamic stability) indicates that this missense variant is not expected to disrupt ATRX protein function with a negative predictive value of 95%. In summary, the available evidence is currently insufficient to determine the role of this variant in disease. Therefore, it has been classified as a Variant of Uncertain Significance.

NM_000489.6(ATRX):c.3860A>G (p.Asp1287Gly)

Gene: ATRX (ATRX chromatin remodeler; minus strand). Cytogenetic location: Xq21.1.
Variant type: single nucleotide variant.
Coding change: c.3860A>G on transcript NM_000489.6 (MANE Select); coding-DNA position 3860, A replaced by G.
Protein change: p.Asp1287Gly; replaces aspartic acid 1287 with glycine.
Molecular consequence: missense variant.
Genome position (GRCh38, 1-based): chrX:77,664,728, T>C on the plus strand (A>G on the coding strand, the complement: ATRX is on the minus strand). VCF-style: chrX-77664728-T-C. GRCh37 (hg19) VCF-style: chrX-76920217-T-C.
Other names: c.3746A>G, p.Asp1249Gly (NM_138270.5); short protein forms D1249G, D1287G.
Identifiers: ClinVar variation 4801103 (VCV004801103.1).
Genomic context (GRCh38, chrX:77,664,728, plus strand): 5'-TTTTGTTTTCCAGTTCTTTTTTTCCCTTCTTCTGGCTCATCATCTGAAGATCCATCCTCA[T>C]CAGAGGAAAGATTGGCTTTAATTTCTTCTAAAAGCATCTTCTTGGCAATTCTTGAGAGTA-3'
Protein context (NP_000480.3, residues 1277-1297): LEEIKANLSS[Asp1287Gly]EDGSSDDEPE